The following is an entry in ClinVar:

NM_017841.4(SDHAF2):c.-4G>A

Gene: SDHAF2 (succinate dehydrogenase complex assembly factor 2; plus strand). Cytogenetic location: 11q12.2.
Variant type: single nucleotide variant.
Coding change: c.-4G>A on transcript NM_017841.4 (MANE Select); 4 bases upstream of the start codon, G replaced by A.
Molecular consequence: 5 prime UTR variant.
Genome position (GRCh38, 1-based): chr11:61,430,143, G>A. VCF-style: chr11-61430143-G-A. GRCh37 (hg19) VCF-style: chr11-61197615-G-A.
Identifiers: ClinVar variation 2560489 (VCV002560489.5), dbSNP rs948745403, ClinGen allele CA222873790.

ClinVar aggregate classification (germline): Uncertain significance. Review status: criteria provided, single submitter (1 of 4 stars). 2 submissions from 2 submitters: Uncertain significance (1). 1 of the submissions does not count toward it. Last evaluated 2025-09-09.

Conditions:
SDHAF2-related disorder. Also called: SDHAF2-related condition.
Hereditary cancer-predisposing syndrome. Also called: Neoplastic Syndromes, Hereditary; Hereditary Cancer Syndrome; Hereditary neoplastic syndrome; Tumor predisposition. Identifiers: Orphanet 140162, MedGen C0027672, MeSH D009386, MONDO:0015356.

Allele frequency attached by ClinVar (database versions not stated): gnomAD 0.00001; TOPMed 0.00001; gnomAD exomes 0.00003.
gnomAD v4.1: 19 of 1,614,108 alleles (0.0012%); highest among the groups gnomAD compares: Non-Finnish European, 0.0016%; no homozygotes.

Submissions (2):

Ambry Genetics
Classification: Uncertain significance for Hereditary cancer-predisposing syndrome. Last evaluated: 2025-09-09. Review status: criteria provided, single submitter. Criteria: Ambry Variant Classification Scheme 2023. Collection method: clinical testing. Allele origin: germline.
Comment: The c.-4G>A variant is located in the 5' untranslated region (5&rsquo; UTR) of the SDHAF2 gene. This variant results from a G to A substitution 4 bases upstream from the first translated codon. This nucleotide position is poorly conserved in available vertebrate species. Based on the available evidence, the clinical significance of this variant remains unclear.

PreventionGenetics, part of Exact Sciences
Classification: Likely benign for SDHAF2-related condition. Last evaluated: 2022-10-27. Review status: no assertion criteria provided. Collection method: clinical testing. Allele origin: germline. Not counted in ClinVar's aggregate classification.
Comment: This variant is classified as likely benign based on ACMG/AMP sequence variant interpretation guidelines (Richards et al. 2015 PMID: 25741868, with internal and published modifications).